The following is an entry in ClinVar:

ClinVar aggregate classification (germline): Uncertain significance (1 of 4 stars; one submission).

Submission:

Ambry Genetics
Classification: Uncertain significance. Last evaluated: 2025-03-30. Review status: criteria provided, single submitter. Criteria: Ambry Variant Classification Scheme 2023. Collection method: clinical testing. Allele origin: germline.
Comment: The p.Q652E variant (also known as c.1954C>G), located in coding exon 1 of the TET2 gene, results from a C to G substitution at nucleotide position 1954. The glutamine at codon 652 is replaced by glutamic acid, an amino acid with highly similar properties. This amino acid position is conserved. In addition, this alteration is predicted to be tolerated by in silico analysis. Based on the available evidence, the clinical significance of this variant remains unclear.

NM_001127208.3(TET2):c.1954C>G (p.Gln652Glu)

Genes: TET2 (tet methylcytosine dioxygenase 2; plus strand), TET2-AS1 (TET2 antisense RNA 1; minus strand). Cytogenetic location: 4q24.
Variant type: single nucleotide variant.
Coding change: c.1954C>G on transcript NM_001127208.3 (MANE Select); coding-DNA position 1954, C replaced by G.
Protein change: p.Gln652Glu; replaces glutamine 652 with glutamic acid.
Molecular consequence: missense variant.
Genome position (GRCh38, 1-based): chr4:105,235,896, C>G. VCF-style: chr4-105235896-C-G. GRCh37 (hg19) VCF-style: chr4-106157053-C-G.
Other names: c.1954C>G, p.Gln652Glu (NM_017628.4); short protein forms Q652E.
Identifiers: ClinVar variation 3967511 (VCV003967511.1).